The following is an entry in ClinVar:

NM_000051.4(ATM):c.3013A>C (p.Asn1005His)

Gene: ATM (ATM serine/threonine kinase; plus strand). Cytogenetic location: 11q22.3.
Variant type: single nucleotide variant.
Coding change: c.3013A>C on transcript NM_000051.4 (MANE Select); coding-DNA position 3013, A replaced by C.
Protein change: p.Asn1005His; replaces asparagine 1005 with histidine.
Molecular consequence: missense variant.
Genome position (GRCh38, 1-based): chr11:108,271,342, A>C. VCF-style: chr11-108271342-A-C. GRCh37 (hg19) VCF-style: chr11-108142069-A-C.
Other names: c.3013A>C, p.Asn1005His (NM_001351834.2); short protein forms N1005H.
Identifiers: ClinVar variation 925412 (VCV000925412.9), dbSNP rs745954659, ClinGen allele CA228409792.
Genomic context (GRCh38, chr11:108,271,342, plus strand): 5'-GATGTTTGTAAAACTATTTTAAACCATGTCCTTCATGTAGTGAAAAACCTAGGTCAAAGC[A>C]ATATGGACTCTGAGAACACAAGGGATGCTCAAGGACAGTTTCTTACAGTAATTGGAGCAT-3'
Protein context (NP_000042.3, residues 995-1015): LHVVKNLGQS[Asn1005His]MDSENTRDAQ

ClinVar aggregate classification (germline): Uncertain significance. Review status: criteria provided, multiple submitters, no conflicts (2 of 4 stars). 3 submissions from 3 submitters: Uncertain significance (3). Last evaluated 2024-02-05.

Conditions:
Hereditary cancer-predisposing syndrome. Also called: Hereditary Cancer Syndrome; Hereditary neoplastic syndrome; Neoplastic Syndromes, Hereditary; Tumor predisposition. Identifiers: Orphanet 140162, MedGen C0027672, MeSH D009386, MONDO:0015356.
Ataxia-telangiectasia syndrome (AT). Also called: Ataxia-telangiectasia, complementation group E; LOUIS-BAR SYNDROME; Cerebello-oculocutaneous telangiectasia; Immunodeficiency with ataxia telangiectasia; Ataxia-telangiectasia, complementation group D; AT, COMPLEMENTATION GROUP C. Identifiers: Orphanet 100, MedGen C0004135, MONDO:0008840, OMIM 208900.

Submissions (3):

Ambry Genetics
Classification: Uncertain significance for Hereditary cancer-predisposing syndrome. Last evaluated: 2024-02-05. Review status: criteria provided, single submitter. Criteria: Ambry Variant Classification Scheme 2023. Collection method: clinical testing. Allele origin: germline.
Comment: The p.N1005H variant (also known as c.3013A>C), located in coding exon 19 of the ATM gene, results from an A to C substitution at nucleotide position 3013. The asparagine at codon 1005 is replaced by histidine, an amino acid with similar properties. This amino acid position is poorly conserved in available vertebrate species. In addition, this alteration is predicted to be tolerated by in silico analysis. Since supporting evidence is limited at this time, the clinical significance of this alteration remains unclear.

Color Diagnostics, LLC DBA Color Health
Classification: Uncertain significance for Hereditary cancer-predisposing syndrome. Last evaluated: 2023-12-04. Review status: criteria provided, single submitter. Criteria: ACMG Guidelines, 2015. Collection method: clinical testing. Allele origin: germline.
Comment: This missense variant replaces asparagine with histidine at codon 1005 of the ATM protein. Computational prediction suggests that this variant may not impact protein structure and function (internally defined REVEL score threshold <= 0.5, PMID: 27666373). To our knowledge, functional studies have not been reported for this variant. This variant has not been reported in individuals affected with ATM-related disorders in the literature. This variant has not been identified in the general population by the Genome Aggregation Database (gnomAD). The available evidence is insufficient to determine the role of this variant in disease conclusively. Therefore, this variant is classified as a Variant of Uncertain Significance.

Labcorp Genetics (formerly Invitae), Labcorp
Classification: Uncertain significance for Ataxia-telangiectasia syndrome. Last evaluated: 2023-02-08. Review status: criteria provided, single submitter. Criteria: Invitae Variant Classification Sherloc (09022015). Collection method: clinical testing. Allele origin: germline.
Comment: This variant has not been reported in the literature in individuals affected with ATM-related conditions. This sequence change replaces asparagine, which is neutral and polar, with histidine, which is basic and polar, at codon 1005 of the ATM protein (p.Asn1005His). This variant is not present in population databases (gnomAD no frequency). ClinVar contains an entry for this variant (Variation ID: 925412). Algorithms developed to predict the effect of missense changes on protein structure and function (SIFT, PolyPhen-2, Align-GVGD) all suggest that this variant is likely to be tolerated. In summary, the available evidence is currently insufficient to determine the role of this variant in disease. Therefore, it has been classified as a Variant of Uncertain Significance.